The following is an entry in ClinVar:

NM_022132.5(MCCC2):c.739-2A>G

Gene: MCCC2 (methylcrotonyl-CoA carboxylase subunit 2; plus strand). Cytogenetic location: 5q13.2.
Variant type: single nucleotide variant.
Coding change: c.739-2A>G on transcript NM_022132.5 (MANE Select); the canonical splice acceptor site of the intron before coding-DNA position 739, A replaced by G.
Molecular consequence: splice acceptor variant.
Genome position (GRCh38, 1-based): chr5:71,632,119, A>G. VCF-style: chr5-71632119-A-G. GRCh37 (hg19) VCF-style: chr5-70927946-A-G.
Other names: c.739-2A>G (NM_022132.4); c.625-2A>G (NM_001363147.1).
Identifiers: ClinVar variation 1521913 (VCV001521913.11), dbSNP rs2112427637, ClinGen allele CA359984664.
Genomic context (GRCh38, chr5:71,632,119, plus strand): 5'-GGGGAAGCATTTTTATATGTCTGATGGACCGATTTCACTGATGATTTTTATCCTTGTTGT[A>G]GGTTAAAGCGGCAACTGGGGAAGAAGTATCTGCTGAGGATCTTGGAGGTGCTGATCTTCA-3'

ClinVar aggregate classification (germline): Pathogenic/Likely pathogenic. Review status: criteria provided, multiple submitters, no conflicts (2 of 4 stars). 4 submissions from 4 submitters: Pathogenic (1); Likely pathogenic (3). Last evaluated 2025-09-08.

Conditions:
3-methylcrotonyl-CoA carboxylase 2 deficiency. Also called: 3 alpha methylcrotonyl-CoA carboxylase 2 deficiency; 3 alpha methylcrotonylglycinuria 2; MCC 2 deficiency; Methylcrotonylglycinuria type 2; METHYLCROTONYLGLYCINURIA, TYPE II. Identifiers: Orphanet 6, MedGen C1859499, MONDO:0008862, OMIM 210210.

Submissions (4):

Natera, Inc.
Classification: Likely pathogenic for 3-methylcrotonyl-CoA carboxylase 2 deficiency. Last evaluated: 2025-09-08. Review status: criteria provided, single submitter. Criteria: Natera Variant Classification Schema (03/2026). Collection method: clinical testing. Allele origin: germline.
Comment: The c.739-2A>G variant in MCCC2 is a canonical splice acceptor site variant predicted to affect pre-mRNA splicing, which may result in an abnormal transcript and altered protein product. This variant is expected to result in nonsense mediated decay, truncation, or a dysfunctional protein product. This variant is rare in the general population with a frequency below the threshold expected for the associated phenotype(s). Given the available evidence, this variant is classified as Likely Pathogenic.

Labcorp Genetics (formerly Invitae), Labcorp
Classification: Likely pathogenic for 3-methylcrotonyl-CoA carboxylase 2 deficiency. Last evaluated: 2024-07-19. Review status: criteria provided, single submitter. Criteria: Invitae Variant Classification Sherloc (09022015). Collection method: clinical testing. Allele origin: germline.
Comment: This sequence change affects an acceptor splice site in intron 7 of the MCCC2 gene. It is expected to disrupt RNA splicing. Variants that disrupt the donor or acceptor splice site typically lead to a loss of protein function (PMID: 16199547), and loss-of-function variants in MCCC2 are known to be pathogenic (PMID: 11181649, 22642865). This variant is not present in population databases (gnomAD no frequency). This variant has not been reported in the literature in individuals affected with MCCC2-related conditions. ClinVar contains an entry for this variant (Variation ID: 1521913). Algorithms developed to predict the effect of sequence changes on RNA splicing suggest that this variant may disrupt the consensus splice site. In summary, the currently available evidence indicates that the variant is pathogenic, but additional data are needed to prove that conclusively. Therefore, this variant has been classified as Likely Pathogenic.

Centre for Inherited Metabolic Diseases, Karolinska University Hospital
Classification: Pathogenic for 3-methylcrotonyl-CoA carboxylase 2 deficiency. Last evaluated: 2024-02-27. Review status: criteria provided, single submitter. Criteria: ACMG Guidelines, 2015. Collection method: clinical testing. Allele origin: unknown. Affected: yes. Observed: 1 homozygote.

Baylor Genetics
Classification: Likely pathogenic for 3-methylcrotonyl-CoA carboxylase 2 deficiency. Last evaluated: 2023-10-26. Review status: criteria provided, single submitter. Criteria: ACMG Guidelines, 2015. Collection method: clinical testing. Allele origin: unknown.

Literature cited by the submitters: PubMed 16199547 (cited by Labcorp Genetics (formerly Invitae), Labcorp); PubMed 11181649 (cited by Labcorp Genetics (formerly Invitae), Labcorp); PubMed 22642865 (cited by Labcorp Genetics (formerly Invitae), Labcorp).